The following is an entry in ClinVar:

ClinVar aggregate classification (germline): Uncertain significance (1 of 4 stars; one submission).

Submission:

GeneDx
Classification: Uncertain significance. Last evaluated: 2025-08-25. Review status: criteria provided, single submitter. Criteria: GeneDx Variant Classification Process June 2021. Collection method: clinical testing. Allele origin: germline.
Comment: Frameshift variant predicted to result in abnormal protein length as the last 13 amino acids are replaced with 30 different amino acids; Has not been previously published as pathogenic or benign to our knowledge; Not observed at significant frequency in large population cohorts (gnomAD)

NM_152594.3(SPRED1):c.1292_1293dup (p.Ala432fs)

Gene: SPRED1 (sprouty related EVH1 domain containing 1; plus strand). Cytogenetic location: 15q14.
Variant type: Duplication.
Coding change: c.1292_1293dup on transcript NM_152594.3 (MANE Select); coding-DNA positions 1292 to 1293, 2 bases duplicated (AG; older notation c.1292_1293dupAG).
Protein change: p.Ala432fs; shifts the reading frame from alanine 432.
Molecular consequence: frameshift variant.
Genome position (GRCh38, 1-based): chr15:38,351,621-38,351,622, AG duplicated; duplicating any 2 consecutive bases within chr15:38,351,620-38,351,622 gives the same sequence; the c. name uses the placement nearest the transcript's 3' end. VCF-style (leftmost placement, unchanged base first): chr15-38351619-T-TGA. GRCh37 (hg19) VCF-style: chr15-38643820-T-TGA.
Other names: short protein forms A432fs.
Identifiers: ClinVar variation 3367480 (VCV003367480.2).